The following is an entry in ClinVar:

NM_022041.4(GAN):c.1236+256T>C

Gene: GAN (gigaxonin; plus strand). Cytogenetic location: 16q23.2.
Variant type: single nucleotide variant.
Coding change: c.1236+256T>C on transcript NM_022041.4 (MANE Select); 256 bases into the intron after coding-DNA position 1236, T replaced by C.
Molecular consequence: intron variant.
Genome position (GRCh38, 1-based): chr16:81,364,199, T>C. VCF-style: chr16-81364199-T-C. GRCh37 (hg19) VCF-style: chr16-81397804-T-C.
Other names: c.597+256T>C (NM_001377486.1).
Identifiers: ClinVar variation 682667 (VCV000682667.1), dbSNP rs9935709, ClinGen allele CA14253713.
Genomic context (GRCh38, chr16:81,364,199, plus strand): 5'-GTTTATCCTGCTTGTGGGCCCTGTGCAGCACCGCTGTGTGTCAAGCTCCACATTTGAGTG[T>C]GCAAATGGTGCAGCAGCCACATCTTCCCAACCTATTTTCTTTCTGTCTTTCCCTCTCTTA-3'

ClinVar aggregate classification (germline): Benign (1 of 4 stars; one submission).

Allele frequency attached by ClinVar (database versions not stated): 1000 Genomes Project 0.75899; 1000 Genomes Project 30x 0.75375; gnomAD 0.66150; TOPMed 0.68282.
gnomAD v4.1: 101,847 of 152,056 alleles (67%); highest among the groups gnomAD compares: East Asian, 93%; 34,620 homozygotes.

Submission:

GeneDx
Classification: Benign. Last evaluated: 2018-06-19. Review status: criteria provided, single submitter. Criteria: GeneDx Variant Classification (06012015). Collection method: clinical testing. Allele origin: germline. Affected: yes.
Comment: This variant is considered likely benign or benign based on one or more of the following criteria: it is a conservative change, it occurs at a poorly conserved position in the protein, it is predicted to be benign by multiple in silico algorithms, and/or has population frequency not consistent with disease.